The following is an entry in ClinVar:

NM_000426.4(LAMA2):c.1792G>A (p.Val598Ile)

Gene: LAMA2 (laminin subunit alpha 2; plus strand). Cytogenetic location: 6q22.33.
Variant type: single nucleotide variant.
Coding change: c.1792G>A on transcript NM_000426.4 (MANE Select); coding-DNA position 1792, G replaced by A.
Protein change: p.Val598Ile; replaces valine 598 with isoleucine.
Molecular consequence: missense variant.
Genome position (GRCh38, 1-based): chr6:129,250,121, G>A. VCF-style: chr6-129250121-G-A. GRCh37 (hg19) VCF-style: chr6-129571266-G-A.
Other names: c.1792G>A, p.Val598Ile (NM_001079823.2); short protein forms V598I.
Identifiers: ClinVar variation 430300 (VCV000430300.8), dbSNP rs753232836, ClinGen allele CA3992750.
Genomic context (GRCh38, chr6:129,250,121, plus strand): 5'-TTAATAGCCCATCTCCTATCCCGTAATGATTATGCATCTTCTGTCTTGTAGCTCCCAGCA[G>A]TAGGAGGACAGTTGACATTTACCATATCATATGACCTTGAAGAAGAGGAAGAAGATACAG-3'
Protein context (NP_000417.3, residues 588-608): APYLGNKLPA[Val598Ile]GGQLTFTISY

ClinVar aggregate classification (germline): Uncertain significance. Review status: criteria provided, multiple submitters, no conflicts (2 of 4 stars). 2 submissions from 2 submitters: Uncertain significance (2). Last evaluated 2021-08-27.

Conditions:
LAMA2-related muscular dystrophy (LAMA2-RD). Also called: Laminin alpha 2-related dystrophy. Identifiers: MedGen C5679788, MONDO:0100228.

Allele frequency attached by ClinVar (database versions not stated): gnomAD exomes below 0.00001 and 0.00001; TOPMed 0.00001; ExAC 0.00002.
gnomAD v4.1: 6 of 1,596,976 alleles (0.00038%); highest among the groups gnomAD compares: Non-Finnish European, 0.00052%; no homozygotes.

Submissions (2):

Labcorp Genetics (formerly Invitae), Labcorp
Classification: Uncertain significance for LAMA2-related muscular dystrophy. Last evaluated: 2021-08-27. Review status: criteria provided, single submitter. Criteria: Invitae Variant Classification Sherloc (09022015). Collection method: clinical testing. Allele origin: germline.
Comment: This sequence change replaces valine with isoleucine at codon 598 of the LAMA2 protein (p.Val598Ile). The valine residue is weakly conserved and there is a small physicochemical difference between valine and isoleucine. This variant is present in population databases (rs753232836, ExAC 0.003%). This variant has not been reported in the literature in individuals affected with LAMA2-related conditions. ClinVar contains an entry for this variant (Variation ID: 430300). Algorithms developed to predict the effect of missense changes on protein structure and function (SIFT, PolyPhen-2, Align-GVGD) all suggest that this variant is likely to be tolerated. In summary, the available evidence is currently insufficient to determine the role of this variant in disease. Therefore, it has been classified as a Variant of Uncertain Significance.

GeneDx
Classification: Uncertain significance. Last evaluated: 2017-05-24. Review status: criteria provided, single submitter. Criteria: GeneDx Variant Classification (06012015). Collection method: clinical testing. Allele origin: germline. Affected: yes.
Comment: The V598I variant has not been published as a pathogenic variant, nor has it been reported as a benign variant to our knowledge. The V598I variant is not observed at a significant frequency in large population cohorts (Lek et al., 2016; 1000 Genomes Consortium et al., 2015; Exome Variant Server). This variant is a conservative amino acid substitution, which is not likely to impact secondary protein structure as these residues share similar properties. This substitution occurs at a position where amino acids with similar properties to Valine are tolerated across species. In silico analysis is inconsistent in its predictions as to whether or not the variant is damaging to the protein structure/function.